The following is an entry in ClinVar:

ClinVar aggregate classification (germline): Pathogenic (1 of 4 stars; one submission).

Submission:

Labcorp Genetics (formerly Invitae), Labcorp
Classification: Pathogenic. Last evaluated: 2023-04-20. Review status: criteria provided, single submitter. Criteria: Invitae Variant Classification Sherloc (09022015). Collection method: clinical testing. Allele origin: germline.
Comment: For these reasons, this variant has been classified as Pathogenic. This variant disrupts a region of the AQP2 protein in which other variant(s) (p.Pro262Leu) have been determined to be pathogenic (PMID: 9550615, 15509592, 18431594, 22778181, 27641679). This suggests that this is a clinically significant region of the protein, and that variants that disrupt it are likely to be disease-causing. This variant has not been reported in the literature in individuals affected with AQP2-related conditions. This variant is not present in population databases (gnomAD no frequency). This sequence change creates a premature translational stop signal (p.Ser231*) in the AQP2 gene. While this is not anticipated to result in nonsense mediated decay, it is expected to disrupt the last 41 amino acid(s) of the AQP2 protein.

Literature cited by the submitters: PubMed 9550615; PubMed 15509592; PubMed 18431594; PubMed 22778181; PubMed 27641679.

NM_000486.6(AQP2):c.692C>A (p.Ser231Ter)

Genes: AQP2 (aquaporin 2; plus strand), AQP5-AS1 (AQP5 and AQP2 antisense RNA 2; minus strand). Cytogenetic location: 12q13.12.
Variant type: single nucleotide variant.
Coding change: c.692C>A on transcript NM_000486.6 (MANE Select); coding-DNA position 692, C replaced by A.
Protein change: p.Ser231Ter; replaces serine 231 with a stop codon.
Molecular consequence: nonsense.
Genome position (GRCh38, 1-based): chr12:49,955,484, C>A. VCF-style: chr12-49955484-C-A. GRCh37 (hg19) VCF-style: chr12-50349267-C-A.
Other names: short protein forms S231*.
Identifiers: ClinVar variation 2842841 (VCV002842841.3), dbSNP rs748006253, ClinGen allele CA384775688.